The following is an entry in ClinVar:

ClinVar aggregate classification (germline): Uncertain significance. Review status: criteria provided, multiple submitters, no conflicts (2 of 4 stars). 2 submissions from 2 submitters: Uncertain significance (2). Last evaluated 2026-02-11.

Conditions:
Rothmund-Thomson syndrome type 2 (RTS2). Identifiers: Orphanet 221016, MedGen C5203410, MONDO:0016369, OMIM 268400.
Baller-Gerold syndrome (BGS). Also called: CRANIOSYNOSTOSIS WITH RADIAL DEFECTS. Identifiers: Orphanet 1225, MedGen C0265308, MONDO:0009039, OMIM 218600.

Allele frequency attached by ClinVar (database versions not stated): gnomAD exomes 0.00002 and 0.00003; TOPMed 0.00002; ExAC 0.00004; gnomAD 0.00004 and 0.00006; ESP Exome Variant Server 0.00016; 1000 Genomes Project 0.00020; 1000 Genomes Project 30x 0.00031.
gnomAD v4.1: 45 of 1,612,554 alleles (0.0028%); highest among the groups gnomAD compares: Admixed American, 0.0067%; no homozygotes.

Submissions (2):

St. Jude Molecular Pathology, St. Jude Children's Research Hospital
Classification: Uncertain significance for Rothmund-Thomson syndrome type 2. Last evaluated: 2026-02-11. Review status: criteria provided, single submitter. Criteria: St. Jude Assertion Criteria 2020. Collection method: clinical testing. Allele origin: germline.
Comment: The RECQL4 c.3418C>T p.(Arg1140Cys) missense change has a maximum subpopulation frequency of 0.008% in gnomAD v2.1.1. In silico tools predict a benign effect of this variant on protein function, but to our knowledge this prediction has not been confirmed by functional studies. To our knowledge, this variant has not been reported in individuals with RECQL4-associated conditions. In summary, the evidence currently available is insufficient to determine the clinical significance of this variant. It has therefore been classified as of uncertain significance.

Labcorp Genetics (formerly Invitae), Labcorp
Classification: Uncertain significance for Baller-Gerold syndrome. Last evaluated: 2023-10-06. Review status: criteria provided, single submitter. Criteria: Invitae Variant Classification Sherloc (09022015). Collection method: clinical testing. Allele origin: germline.
Comment: This sequence change replaces arginine, which is basic and polar, with cysteine, which is neutral and slightly polar, at codon 1140 of the RECQL4 protein (p.Arg1140Cys). This variant is present in population databases (rs375432640, gnomAD 0.008%). This variant has not been reported in the literature in individuals affected with RECQL4-related conditions. ClinVar contains an entry for this variant (Variation ID: 862033). Advanced modeling of protein sequence and biophysical properties (such as structural, functional, and spatial information, amino acid conservation, physicochemical variation, residue mobility, and thermodynamic stability) performed at Invitae indicates that this missense variant is not expected to disrupt RECQL4 protein function. In summary, the available evidence is currently insufficient to determine the role of this variant in disease. Therefore, it has been classified as a Variant of Uncertain Significance.

NM_004260.4(RECQL4):c.3418C>T (p.Arg1140Cys)

Gene: RECQL4 (RecQ like helicase 4; minus strand). Cytogenetic location: 8q24.3.
Variant type: single nucleotide variant.
Coding change: c.3418C>T on transcript NM_004260.4 (MANE Select); coding-DNA position 3418, C replaced by T.
Protein change: p.Arg1140Cys; replaces arginine 1140 with cysteine.
Molecular consequence: missense variant.
Genome position (GRCh38, 1-based): chr8:144,511,765, G>A on the plus strand (C>T on the coding strand, the complement: RECQL4 is on the minus strand). VCF-style: chr8-144511765-G-A. GRCh37 (hg19) VCF-style: chr8-145737148-G-A.
Other names: short protein forms R1140C.
Identifiers: ClinVar variation 862033 (VCV000862033.7), dbSNP rs375432640, ClinGen allele CA4947747.